The following is an entry in ClinVar:

NM_000465.4(BARD1):c.1371del (p.Asp458fs)

Gene: BARD1 (BRCA1 associated RING domain 1; minus strand). Cytogenetic location: 2q35.
Variant type: Deletion.
Coding change: c.1371del on transcript NM_000465.4 (MANE Select); coding-DNA position 1371, one base deleted (A; older notation c.1371delA).
Protein change: p.Asp458fs; shifts the reading frame from aspartic acid 458.
Molecular consequence: frameshift variant. On other transcripts: non-coding transcript variant (3), intron variant (3).
Genome position (GRCh38, 1-based): chr2:214,769,256, T deleted on the plus strand (A on the coding strand, the reverse complement: BARD1 is on the minus strand); the first of 3 consecutive T bases (chr2:214,769,256-214,769,258); deleting any one gives the same sequence. VCF-style (leftmost placement, unchanged base first): chr2-214769255-CT-C. GRCh37 (hg19) VCF-style: chr2-215633979-CT-C.
Other names: c.1314del, p.Asp439fs (NM_001282543.2); c.159-16701del (NM_001282548.2); c.216-16701del (NM_001282545.2); c.364+23041del (NM_001282549.2); short protein forms D458fs, D439fs.
Identifiers: ClinVar variation 482780 (VCV000482780.5), dbSNP rs1553619704, ClinGen allele CA658657233.
Genomic context (GRCh38, chr2:214,769,255, plus strand): 5'-AACACAGAAAGAATGAGAATAAAAACCAGACAACTACCAATGGTGTCCATCCAGCATGGT[CT>C]TTAACATTTGGATCACTTCCATTTTGTAAAAGGTATTCAACAGAAGGTATGTCGCCCTAG-3'

ClinVar aggregate classification (germline): Pathogenic (1 of 4 stars; one submission).

Conditions:
Hereditary cancer-predisposing syndrome. Also called: Neoplastic Syndromes, Hereditary; Tumor predisposition; Hereditary Cancer Syndrome; Hereditary neoplastic syndrome. Identifiers: Orphanet 140162, MedGen C0027672, MeSH D009386, MONDO:0015356.

Submission:

Ambry Genetics
Classification: Pathogenic for Hereditary cancer-predisposing syndrome. Last evaluated: 2016-03-09. Review status: criteria provided, single submitter. Criteria: Ambry Variant Classification Scheme 2023. Collection method: clinical testing. Allele origin: germline.
Comment: The c.1371delA pathogenic mutation, located in coding exon 5 of the BARD1 gene, results from a deletion of one nucleotide at nucleotide position 1371, causing a translational frameshift with a predicted alternate stop codon. Since frameshifts are typically deleterious in nature, this alteration is interpreted as a disease-causing mutation (ACMG Recommendations for Standards for Interpretation and Reporting of Sequence Variations. Revision 2007. Genet Med. 2008;10:294).